The following is an entry in ClinVar:

ClinVar aggregate classification (germline): Uncertain significance (1 of 4 stars; one submission).

Conditions:
Fanconi anemia (FA). Also called: Fanconi's anemia. Identifiers: Orphanet 84, MedGen C0015625, MeSH D005199, MONDO:0019391.

Submission:

Labcorp Genetics (formerly Invitae), Labcorp
Classification: Uncertain significance for Fanconi anemia. Last evaluated: 2022-10-04. Review status: criteria provided, single submitter. Criteria: Invitae Variant Classification Sherloc (09022015). Collection method: clinical testing. Allele origin: germline.
Comment: In summary, the available evidence is currently insufficient to determine the role of this variant in disease. Therefore, it has been classified as a Variant of Uncertain Significance. This variant occurs in a non-coding region of the FANCC gene. It does not change the encoded amino acid sequence of the FANCC protein. This variant is not present in population databases (gnomAD no frequency). This variant has not been reported in the literature in individuals affected with FANCC-related conditions. ClinVar contains an entry for this variant (Variation ID: 1490506). Experimental studies and prediction algorithms are not available or were not evaluated, and the functional significance of this variant is currently unknown. Algorithms developed to predict the effect of sequence changes on RNA splicing suggest that this variant may disrupt the consensus splice site.

NM_000136.3(FANCC):c.-73A>G

Gene: FANCC (FA complementation group C; minus strand). Cytogenetic location: 9q22.32.
Variant type: single nucleotide variant.
Coding change: c.-73A>G on transcript NM_000136.3 (MANE Select); 73 bases upstream of the start codon, A replaced by G.
Molecular consequence: 5 prime UTR variant.
Genome position (GRCh38, 1-based): chr9:95,249,364, T>C on the plus strand (A>G on the coding strand, the complement: FANCC is on the minus strand). VCF-style: chr9-95249364-T-C. GRCh37 (hg19) VCF-style: chr9-98011646-T-C.
Other names: c.-73A>G (NM_001243743.2, NM_001243744.2).
Identifiers: ClinVar variation 1490506 (VCV001490506.6), dbSNP rs1831191027, ClinGen allele CA2573144830.